The following is an entry in ClinVar:

ClinVar aggregate classification (germline): Uncertain significance (1 of 4 stars; one submission).

gnomAD v4.1: 39 of 1,607,160 alleles (0.0024%); highest among the groups gnomAD compares: African/African-American, 0.004%; no homozygotes.

Submission:

Labcorp Genetics (formerly Invitae), Labcorp
Classification: Uncertain significance. Last evaluated: 2025-08-15. Review status: criteria provided, single submitter. Criteria: Invitae Variant Classification Sherloc (09022015). Collection method: clinical testing. Allele origin: germline.
Comment: This sequence change replaces arginine, which is basic and polar, with histidine, which is basic and polar, at codon 2812 of the DNAH9 protein (p.Arg2812His). This variant is present in population databases (rs371741808, gnomAD 0.004%). This variant has not been reported in the literature in individuals affected with DNAH9-related conditions. Invitae Evidence Modeling of protein sequence and biophysical properties (such as structural, functional, and spatial information, amino acid conservation, physicochemical variation, residue mobility, and thermodynamic stability) indicates that this missense variant is expected to disrupt DNAH9 protein function with a positive predictive value of 80%. In summary, the available evidence is currently insufficient to determine the role of this variant in disease. Therefore, it has been classified as a Variant of Uncertain Significance.

NM_001372.4(DNAH9):c.8435G>A (p.Arg2812His)

Gene: DNAH9 (dynein axonemal heavy chain 9; plus strand). Cytogenetic location: 17p12.
Variant type: single nucleotide variant.
Coding change: c.8435G>A on transcript NM_001372.4 (MANE Select); coding-DNA position 8435, G replaced by A.
Protein change: p.Arg2812His; replaces arginine 2812 with histidine.
Molecular consequence: missense variant.
Genome position (GRCh38, 1-based): chr17:11,807,746, G>A. VCF-style: chr17-11807746-G-A. GRCh37 (hg19) VCF-style: chr17-11711063-G-A.
Other names: short protein forms R2812H.
Identifiers: ClinVar variation 4805279 (VCV004805279.1).